The following continues an entry in ClinVar:

NM_000059.4(BRCA2):c.7832A>G (p.Asp2611Gly)

Gene: BRCA2. ClinVar aggregate classification (germline): Uncertain significance. Uncertain significance (1).

Submissions 7 to 11 of 11:

All of Us Research Program, National Institutes of Health
Classification: Uncertain significance for Breast-ovarian cancer, familial, susceptibility to, 2. Last evaluated: 2023-11-20. Review status: criteria provided, single submitter. Criteria: ACMG Guidelines, 2015. Collection method: clinical testing. Allele origin: germline. Inheritance: Autosomal dominant inheritance. Observed: 1 variant allele, 1 heterozygote. Not counted in ClinVar's aggregate classification.
Comment: This missense variant replaces aspartic acid with glycine at codon 2611 of the BRCA2 protein. Computational prediction suggests that this variant may have deleterious impact on protein structure and function (internally defined REVEL score threshold >= 0.7, PMID: 27666373). Functional studies have reported that this variant impacts BRCA2 function in homology-mediated DNA repair assays (PMID: 23108138, 29394989), impacts cell viability in Brca2-deficient mouse embryonic stem cells (PMID: 33293522), increases sensitivity to DNA-damaging agents (PMID: 32444794), and was non-functional in a haploidized cell proliferation assay (PMID: 35190686). This variant has been reported in an individual with a personal or family history of breast or ovarian cancer (PMID: 16030099). This variant has been identified in 1/251200 chromosomes in the general population by the Genome Aggregation Database (gnomAD). The available evidence is insufficient to determine the role of this variant in disease conclusively. Therefore, this variant is classified as a Variant of Uncertain Significance.

This study involves interpretation of variants in research participants for the purpose of population health screening. Participant phenotype was not available at the time of variant classification. Additional details can be found in publication PMID: 35346344, PMCID: PMC8962531

Quest Diagnostics Nichols Institute San Juan Capistrano
Classification: Uncertain significance. Last evaluated: 2021-05-28. Review status: criteria provided, single submitter. Criteria: Quest Diagnostics criteria. Collection method: clinical testing. Allele origin: unknown. Not counted in ClinVar's aggregate classification.

Counsyl
Classification: Uncertain significance for Breast-ovarian cancer, familial, susceptibility to, 2. Last evaluated: 2016-11-14. Review status: no assertion criteria provided. Collection method: clinical testing. Allele origin: unknown. Not counted in ClinVar's aggregate classification.

Breast Cancer Information Core (BIC) (BRCA2)
Classification: Uncertain significance for Breast-ovarian cancer, familial 2. Last evaluated: 2003-12-23. Review status: no assertion criteria provided. Collection method: clinical testing. Allele origin: germline. Affected: yes. Observed: 1 variant allele. Not counted in ClinVar's aggregate classification.

Cancer Variant Interpretation Group UK, Institute of Cancer Research, London
Classification: Likely pathogenic for Hereditary Breast and Ovarian Cancer. Last evaluated: 2018-10-04. Review status: flagged submission. Criteria: ACMG Guidelines, 2015. Collection method: literature only. Allele origin: germline. Not counted in ClinVar's aggregate classification.
Comment: Data used in classification The frequency of this variant is 1/123,000 individuals (the GNOMAD population). (PM2-mod). This variant is predicted deleterious on AlignGVGD (class: C65), SIFT (Deleterious), Polyphen2 HumVar (probably damaging) and CADD (27.1) (PP3-sup). The variant is in the DNA-binding domain of BRCA2 (PM1-sup). In the BRCA2 Homology-Directed Repair Activity assay for the DNA Binding Domain (Guidugli et al Cancer Res 2013;73:265-275,Couch Lab), which is perfectly validated against genetic epidemiologic data generated by ENIGMA, the variant has a probability of pathogenicity of 1.0 In the VarCall Bayesian statistical model for VUS classification using functional assay data (Guidugli et al Am J Hum Genet 2018; 102:233-248, Couch Lab), the variant has a probability of being deleterious of 0.879 and an overall classification of intermediate. (PS3-strong). Data not used in classification There are additional reports of this variant in ClinVar (5), BIC (1) and BRCA2 LOVD (2).
ClinVar note: Reason: Outlier claim with insufficient supporting evidence

Literature cited by the submitters: PubMed 16030099 (cited by 6 submitters); PubMed 19043619 (cited by 3 submitters); PubMed 23108138 (cited by 6 submitters); PubMed 29394989 (cited by 5 submitters); PubMed 29884841 (cited by 3 submitters); PubMed 33293522 (cited by 4 submitters); PubMed 32444794 (cited by 3 submitters); PubMed 39779848 (cited by Ambry Genetics); PubMed 39779857 (cited by Ambry Genetics); PubMed 31853058 (cited by Color Diagnostics, LLC DBA Color Health); PubMed 35190686 (cited by Color Diagnostics, LLC DBA Color Health and All of Us Research Program, National Institutes of Health); PubMed 25085752 (cited by Myriad Genetics, Inc.); PubMed 32042831 (cited by Quest Diagnostics Nichols Institute San Juan Capistrano); PubMed 10923033 (cited by Quest Diagnostics Nichols Institute San Juan Capistrano).